The following is an entry in ClinVar:

NM_000414.4(HSD17B4):c.204A>C (p.Lys68Asn)

Gene: HSD17B4 (hydroxysteroid 17-beta dehydrogenase 4; plus strand). Cytogenetic location: 5q23.1.
Variant type: single nucleotide variant.
Coding change: c.204A>C on transcript NM_000414.4 (MANE Select); coding-DNA position 204, A replaced by C.
Protein change: p.Lys68Asn; replaces lysine 68 with asparagine.
Molecular consequence: missense variant. On other transcripts: 5 prime UTR variant (6), non-coding transcript variant (2).
Genome position (GRCh38, 1-based): chr5:119,473,999, A>C. VCF-style: chr5-119473999-A-C. GRCh37 (hg19) VCF-style: chr5-118809694-A-C.
Other names: c.279A>C, p.Lys93Asn (NM_001199291.3); c.150A>C, p.Lys50Asn (NM_001199292.2); c.132A>C, p.Lys44Asn (NM_001292027.2); c.-208A>C (NM_001292028.2, NM_001374501.1); c.204A>C, p.Lys68Asn (NM_001374497.1, NM_001374498.1); c.-77A>C (NM_001374499.1); c.-335A>C (NM_001374500.1); c.-213A>C (NM_001374502.1, NM_001374503.1); short protein forms K44N, K50N, K68N, K93N.
Identifiers: ClinVar variation 3903323 (VCV003903323.1).

ClinVar aggregate classification (germline): Uncertain significance (1 of 4 stars; one submission).

Submission:

GeneDx
Classification: Uncertain significance. Last evaluated: 2024-12-10. Review status: criteria provided, single submitter. Criteria: GeneDx Variant Classification Process June 2021. Collection method: clinical testing. Allele origin: germline. Affected: yes.
Comment: Not observed at significant frequency in large population cohorts (gnomAD); In silico analysis supports that this missense variant has a deleterious effect on protein structure/function; Has not been previously published as pathogenic or benign to our knowledge